The following is an entry in ClinVar:

NM_001385.3(DPYS):c.151dup (p.Val51fs)

Gene: DPYS (dihydropyrimidinase; minus strand). Cytogenetic location: 8q22.3.
Variant type: Duplication.
Coding change: c.151dup on transcript NM_001385.3 (MANE Select); coding-DNA position 151, one base duplicated (G; older notation c.151dupG).
Protein change: p.Val51fs; shifts the reading frame from valine 51.
Molecular consequence: frameshift variant.
Genome position (GRCh38, 1-based): chr8:104,466,770, C duplicated on the plus strand (G on the coding strand, the reverse complement: DPYS is on the minus strand); the first of 3 consecutive C bases (chr8:104,466,770-104,466,772); duplicating any one gives the same sequence. VCF-style (leftmost placement, unchanged base first): chr8-104466769-A-AC. GRCh37 (hg19) VCF-style: chr8-105478997-A-AC.
Other names: short protein forms V51fs.
Identifiers: ClinVar variation 1419575 (VCV001419575.6), dbSNP rs1814423398, ClinGen allele CA1117442628.

ClinVar aggregate classification (germline): Pathogenic (1 of 4 stars; one submission).

Submission:

Labcorp Genetics (formerly Invitae), Labcorp
Classification: Pathogenic. Last evaluated: 2022-09-13. Review status: criteria provided, single submitter. Criteria: Invitae Variant Classification Sherloc (09022015). Collection method: clinical testing. Allele origin: germline.
Comment: This sequence change creates a premature translational stop signal (p.Val51Glyfs*50) in the DPYS gene. It is expected to result in an absent or disrupted protein product. Loss-of-function variants in DPYS are known to be pathogenic (PMID: 20362666). For these reasons, this variant has been classified as Pathogenic. ClinVar contains an entry for this variant (Variation ID: 1419575). This premature translational stop signal has been observed in individual(s) with dihydropyrimidinase deficiency (PMID: 27604308). This variant is not present in population databases (gnomAD no frequency).

Literature cited by the submitters: PubMed 20362666; PubMed 27604308.